The following is an entry in ClinVar:

ClinVar aggregate classification (germline): Uncertain significance. Review status: criteria provided, multiple submitters, no conflicts (2 of 4 stars). 2 submissions from 2 submitters: Uncertain significance (2). Last evaluated 2026-07-01.

Conditions:
Glycogen storage disease, type II (IOPD). Also called: CARDIOMEGALIA GLYCOGENICA DIFFUSA; GLYCOGENOSIS, GENERALIZED, CARDIAC FORM; GSD II; Glycogen storage disease type 2; Acid maltase deficiency disease; Aglucosidase alfa. Identifiers: Orphanet 365, MedGen C0017921, MONDO:0009290, OMIM 232300.

Submissions (2):

Genomenon, Inc
Classification: Uncertain significance for Glycogen storage disease, type II. Last evaluated: 2026-07-01. Review status: criteria provided, single submitter. Criteria: Genomenon Sequence Variant Interpretation Standards - Updated. Collection method: curation. Allele origin: germline. Affected: no.
Comment: GAA p.Cys127Tyr (c.380G>A) is a missense variant that changes the amino acid at codon 127 from Cysteine to Tyrosine. This variant has been reported in the published literature (PMID:30155607;33560568). It is absent or not present at a significant frequency in gnomAD. In silico models predict that this variant is possibly or probably damaging. In conclusion, we classify GAA p.Cys127Tyr (c.380G>A) as a variant of uncertain significance.

Women's Health and Genetics/Laboratory Corporation of America, LabCorp
Classification: Uncertain significance. Last evaluated: 2024-08-16. Review status: criteria provided, single submitter. Criteria: LabCorp Variant Classification Summary - May 2015. Collection method: clinical testing. Allele origin: germline.
Comment: Variant summary: GAA c.380G>A (p.Cys127Tyr) results in a non-conservative amino acid change located in the P-type trefoil domain (IPR000519) of the encoded protein sequence. Five of five in-silico tools predict a damaging effect of the variant on protein function. The frequency data for this variant in gnomAD is considered unreliable, as metrics indicate poor data quality at this position. c.380G>A has been reported in the literature in individual(s) affected with Glycogen Storage Disease, Type 2 (Pompe Disease) without specified clinical phenotype and the second allele change in any of these affected individual(s) (Semplicini_2018). These report(s) do not provide unequivocal conclusions about association of the variant with Glycogen Storage Disease, Type 2 (Pompe Disease). To our knowledge, no experimental evidence demonstrating an impact on protein function has been reported. The following publication have been ascertained in the context of this evaluation (PMID: 30155607). No submitters have cited clinical-significance assessments for this variant to ClinVar. Based on the evidence outlined above, the variant was classified as uncertain significance.

Literature cited by the submitters: PubMed 30155607 (cited by Genomenon, Inc and Women's Health and Genetics/Laboratory Corporation of America, LabCorp); PubMed 33560568 (cited by Genomenon, Inc).

NM_000152.5(GAA):c.380G>A (p.Cys127Tyr)

Gene: GAA (alpha glucosidase; plus strand). Cytogenetic location: 17q25.3.
Variant type: single nucleotide variant.
Coding change: c.380G>A on transcript NM_000152.5 (MANE Select); coding-DNA position 380, G replaced by A.
Protein change: p.Cys127Tyr; replaces cysteine 127 with tyrosine.
Molecular consequence: missense variant.
Genome position (GRCh38, 1-based): chr17:80,104,966, G>A. VCF-style: chr17-80104966-G-A. GRCh37 (hg19) VCF-style: chr17-78078765-G-A.
Other names: c.380G>A, p.Cys127Tyr (NM_001079803.3, NM_001079804.3, NM_001406741.1 and 1 more transcripts); short protein forms C127Y.
Identifiers: ClinVar variation 3366759 (VCV003366759.2).